The following is an entry in ClinVar:

NM_014915.3(ANKRD26):c.2707A>G (p.Ser903Gly)

Gene: ANKRD26 (ankyrin repeat domain 26; minus strand). Cytogenetic location: 10p12.1.
Variant type: single nucleotide variant.
Coding change: c.2707A>G on transcript NM_014915.3 (MANE Select); coding-DNA position 2707, A replaced by G.
Protein change: p.Ser903Gly; replaces serine 903 with glycine.
Molecular consequence: missense variant.
Genome position (GRCh38, 1-based): chr10:27,035,743, T>C on the plus strand (A>G on the coding strand, the complement: ANKRD26 is on the minus strand). VCF-style: chr10-27035743-T-C. GRCh37 (hg19) VCF-style: chr10-27324672-T-C.
Other names: c.2704A>G, p.Ser902Gly (NM_001256053.2); short protein forms S902G, S903G.
Identifiers: ClinVar variation 2886720 (VCV002886720.6), dbSNP rs754265778, ClinGen allele CA5448151.
Genomic context (GRCh38, chr10:27,035,743, plus strand): 5'-TAGCAATTTCTTCCTGCAACATGCTATTTTTATGCGATAGGTCTTTTTCTTCTTCATGAC[T>C]ATGAGAATTCTAAGTAAAACAAAGGAAACTTTGAGCTAGCACCCAAGAAAATGACAGATC-3'
Protein context (NP_055730.2, residues 893-913): QKKMNSENSH[Ser903Gly]HEEEKDLSHK

ClinVar aggregate classification (germline): Uncertain significance. Review status: criteria provided, multiple submitters, no conflicts (2 of 4 stars). 3 submissions from 3 submitters: Uncertain significance (3). Last evaluated 2024-12-25.

Conditions:
Inborn genetic diseases. Identifiers: MedGen C0950123, MeSH D030342.

Allele frequency attached by ClinVar (database versions not stated): gnomAD exomes below 0.00001; ExAC 0.00001; gnomAD 0.00001; TOPMed 0.00002.
gnomAD v4.1: 4 of 1,603,356 alleles (0.00025%); highest among the groups gnomAD compares: African/African-American, 0.004%; no homozygotes.

Submissions (3):

Ambry Genetics
Classification: Uncertain significance for Inborn genetic diseases. Last evaluated: 2024-12-25. Review status: criteria provided, single submitter. Criteria: Ambry Variant Classification Scheme 2023. Collection method: clinical testing. Allele origin: germline.

GeneDx
Classification: Uncertain significance. Last evaluated: 2024-02-28. Review status: criteria provided, single submitter. Criteria: GeneDx Variant Classification Process June 2021. Collection method: clinical testing. Allele origin: germline. Affected: yes.
Comment: Not observed at significant frequency in large population cohorts (gnomAD); In silico analysis supports that this missense variant has a deleterious effect on protein structure/function; Has not been previously published as pathogenic or benign to our knowledge

Labcorp Genetics (formerly Invitae), Labcorp
Classification: Uncertain significance. Last evaluated: 2023-01-30. Review status: criteria provided, single submitter. Criteria: Invitae Variant Classification Sherloc (09022015). Collection method: clinical testing. Allele origin: germline.
Comment: This sequence change replaces serine, which is neutral and polar, with glycine, which is neutral and non-polar, at codon 903 of the ANKRD26 protein (p.Ser903Gly). The frequency data for this variant in the population databases is considered unreliable, as metrics indicate poor data quality at this position in the gnomAD database. This variant has not been reported in the literature in individuals affected with ANKRD26-related conditions. Algorithms developed to predict the effect of missense changes on protein structure and function are either unavailable or do not agree on the potential impact of this missense change (SIFT: "Deleterious"; PolyPhen-2: "Benign"; Align-GVGD: "Class C0"). In summary, the available evidence is currently insufficient to determine the role of this variant in disease. Therefore, it has been classified as a Variant of Uncertain Significance.